The following is an entry in ClinVar:

NM_032119.4(ADGRV1):c.16346G>C (p.Ser5449Thr)

Gene: ADGRV1 (adhesion G protein-coupled receptor V1; plus strand). Cytogenetic location: 5q14.3.
Variant type: single nucleotide variant.
Coding change: c.16346G>C on transcript NM_032119.4 (MANE Select); coding-DNA position 16346, G replaced by C.
Protein change: p.Ser5449Thr; replaces serine 5449 with threonine.
Molecular consequence: missense variant. On other transcripts: non-coding transcript variant (1).
Genome position (GRCh38, 1-based): chr5:90,823,574, G>C. VCF-style: chr5-90823574-G-C. GRCh37 (hg19) VCF-style: chr5-90119391-G-C.
Other names: short protein forms S5449T.
Identifiers: ClinVar variation 1011180 (VCV001011180.6), dbSNP rs1447854471, ClinGen allele CA360425741.
Genomic context (GRCh38, chr5:90,823,574, plus strand): 5'-AACTTCAGTCTGTGTCAGGGACCACAACCTGTACAATGGGTCAAACAAAATGCTTTATCA[G>C]CATTGAACTCAAACCAGAAAAGGTAAGAAATGAAGAGACACACTAGTGTCAACTTCTAAT-3'
Protein context (NP_115495.3, residues 5439-5459): CTMGQTKCFI[Ser5449Thr]IELKPEKVPQ

ClinVar aggregate classification (germline): Uncertain significance (1 of 4 stars; one submission).

Allele frequency attached by ClinVar (database versions not stated): TOPMed below 0.00001.

Submission:

Labcorp Genetics (formerly Invitae), Labcorp
Classification: Uncertain significance. Last evaluated: 2021-08-20. Review status: criteria provided, single submitter. Criteria: Invitae Variant Classification Sherloc (09022015). Collection method: clinical testing. Allele origin: germline.
Comment: This sequence change replaces serine with threonine at codon 5449 of the ADGRV1 protein (p.Ser5449Thr). The serine residue is weakly conserved and there is a small physicochemical difference between serine and threonine. This variant is not present in population databases (ExAC no frequency). This variant has not been reported in the literature in individuals affected with ADGRV1-related conditions. Algorithms developed to predict the effect of missense changes on protein structure and function output the following: SIFT: "Tolerated"; PolyPhen-2: "Benign"; Align-GVGD: "Class C0". The threonine amino acid residue is found in multiple mammalian species, which suggests that this missense change does not adversely affect protein function. In summary, the available evidence is currently insufficient to determine the role of this variant in disease. Therefore, it has been classified as a Variant of Uncertain Significance.